The following is an entry in ClinVar:

NM_000092.5(COL4A4):c.112G>A (p.Gly38Arg)

Gene: COL4A4 (collagen type IV alpha 4 chain; minus strand). Cytogenetic location: 2q36.3.
Variant type: single nucleotide variant.
Coding change: c.112G>A on transcript NM_000092.5 (MANE Select); coding-DNA position 112, G replaced by A.
Protein change: p.Gly38Arg; replaces glycine 38 with arginine.
Molecular consequence: missense variant.
Genome position (GRCh38, 1-based): chr2:227,144,518, C>T on the plus strand (G>A on the coding strand, the complement: COL4A4 is on the minus strand). VCF-style: chr2-227144518-C-T. GRCh37 (hg19) VCF-style: chr2-228009234-C-T.
Other names: short protein forms G38R.
Identifiers: ClinVar variation 3389768 (VCV003389768.14).

ClinVar aggregate classification (germline): Uncertain significance (1 of 4 stars; one submission).

Submission:

CeGaT Center for Human Genetics Tuebingen
Classification: Uncertain significance. Last evaluated: 2024-09-01. Review status: criteria provided, single submitter. Criteria: CeGaT Center For Human Genetics Tuebingen Variant Classification Criteria Version 2. Collection method: clinical testing. Allele origin: germline. Affected: yes. Observed: 1 variant allele.
Comment: COL4A4: PM2